The following is an entry in ClinVar:

NM_144508.5(KNL1):c.3136A>G (p.Lys1046Glu)

Gene: KNL1 (kinetochore scaffold 1; plus strand). Cytogenetic location: 15q15.1.
Variant type: single nucleotide variant.
Coding change: c.3136A>G on transcript NM_144508.5 (MANE Select); coding-DNA position 3136, A replaced by G.
Protein change: p.Lys1046Glu; replaces lysine 1046 with glutamic acid.
Molecular consequence: missense variant.
Genome position (GRCh38, 1-based): chr15:40,623,400, A>G. VCF-style: chr15-40623400-A-G. GRCh37 (hg19) VCF-style: chr15-40915598-A-G.
Other names: c.3214A>G, p.Lys1072Glu (NM_170589.5); short protein forms K1046E, K1072E.
Identifiers: ClinVar variation 2228776 (VCV002228776.2), dbSNP rs767198233, ClinGen allele CA7482969.
Genomic context (GRCh38, chr15:40,623,400, plus strand): 5'-GGCCCTGTAGAGGTAGCTGATAACATGGAATTGTCTAAATCAGCCACTTGCAAAAACATC[A>G]AAGATGTACAAAGTCCTGGATTTCTGAATGAACCTCTATCAAGCAAAAGTCAGAGAAGAA-3'
Protein context (NP_653091.3, residues 1036-1056): LSKSATCKNI[Lys1046Glu]DVQSPGFLNE

ClinVar aggregate classification (germline): Uncertain significance (1 of 4 stars; one submission).

Conditions:
Inborn genetic diseases. Identifiers: MedGen C0950123, MeSH D030342.

Allele frequency attached by ClinVar (database versions not stated): gnomAD exomes 0.00002; ExAC 0.00005.
gnomAD v4.1: 25 of 1,614,018 alleles (0.0015%); highest among the groups gnomAD compares: South Asian, 0.027%; no homozygotes.

Submission:

Ambry Genetics
Classification: Uncertain significance for Inborn genetic diseases. Last evaluated: 2021-01-27. Review status: criteria provided, single submitter. Criteria: Ambry Variant Classification Scheme 2023. Collection method: clinical testing. Allele origin: germline.
Comment: The c.3214A>G (p.K1072E) alteration is located in exon 11 (coding exon 10) of the KNL1 gene. This alteration results from a A to G substitution at nucleotide position 3214, causing the lysine (K) at amino acid position 1072 to be replaced by a glutamic acid (E). The p.K1072E alteration is predicted to be tolerated by in silico analysis. Based on insufficient or conflicting evidence, the clinical significance of this alteration remains unclear.